The following is an entry in ClinVar:

ClinVar aggregate classification (germline): Uncertain significance (1 of 4 stars; one submission).

Conditions:
Inborn genetic diseases. Identifiers: MedGen C0950123, MeSH D030342.

Allele frequency attached by ClinVar (database versions not stated): ExAC 0.00001; TOPMed 0.00003.

Submission:

Ambry Genetics
Classification: Uncertain significance for Inborn genetic diseases. Last evaluated: 2021-10-20. Review status: criteria provided, single submitter. Criteria: Ambry Variant Classification Scheme 2023. Collection method: clinical testing. Allele origin: germline.
Comment: The c.1736T>C (p.V579A) alteration is located in exon 10 (coding exon 10) of the ATP2B3 gene. This alteration results from a T to C substitution at nucleotide position 1736, causing the valine (V) at amino acid position 579 to be replaced by an alanine (A). Based on data from gnomAD, the C allele has an overall frequency of 0.0005% (1/183,455) total alleles studied. One hemizygous male was reported in the European (non-Finnish) subpopulation. This amino acid position is well conserved in available vertebrate species. This alteration is predicted to be tolerated by in silico analysis. Based on insufficient or conflicting evidence, the clinical significance of this alteration remains unclear.

NM_001001344.3(ATP2B3):c.1736T>C (p.Val579Ala)

Gene: ATP2B3 (ATPase plasma membrane Ca2+ transporting 3; plus strand). Cytogenetic location: Xq28.
Variant type: single nucleotide variant.
Coding change: c.1736T>C on transcript NM_001001344.3 (MANE Select); coding-DNA position 1736, T replaced by C.
Protein change: p.Val579Ala; replaces valine 579 with alanine.
Molecular consequence: missense variant.
Genome position (GRCh38, 1-based): chrX:153,550,199, T>C. VCF-style: chrX-153550199-T-C. GRCh37 (hg19) VCF-style: chrX-152815657-T-C.
Other names: c.1736T>C, p.Val579Ala (NM_001388360.1, NM_001388361.1, NM_001388362.1 and 1 more transcripts); c.1694T>C, p.Val565Ala (NM_001410708.1); short protein forms V579A, V565A.
Identifiers: ClinVar variation 2357362 (VCV002357362.2), dbSNP rs782478996, ClinGen allele CA10547795.
Genomic context (GRCh38, chrX:153,550,199, plus strand): 5'-AGCCCGTGCGCGAGCAGATCCCGGAAGACAAGCTTTACAAAGTGTACACCTTCAACTCGG[T>C]CCGCAAGTCCATGAGCACAGTCATCCGCATGCCCGACGGTGGCTTCCGCCTCTTCAGCAA-3'
Protein context (NP_001001344.1, residues 569-589): KLYKVYTFNS[Val579Ala]RKSMSTVIRM